The following is an entry in ClinVar:

ClinVar aggregate classification (germline): Uncertain significance (1 of 4 stars; one submission).

Allele frequency attached by ClinVar (database versions not stated): ExAC 0.00001; gnomAD 0.00001; gnomAD exomes 0.00001; TOPMed 0.00001.
gnomAD v4.1: 8 of 1,613,318 alleles (0.0005%); highest among the groups gnomAD compares: Admixed American, 0.013%; no homozygotes.

Submission:

Labcorp Genetics (formerly Invitae), Labcorp
Classification: Uncertain significance. Last evaluated: 2022-04-10. Review status: criteria provided, single submitter. Criteria: Invitae Variant Classification Sherloc (09022015). Collection method: clinical testing. Allele origin: germline.
Comment: This sequence change replaces isoleucine, which is neutral and non-polar, with valine, which is neutral and non-polar, at codon 183 of the NARS2 protein (p.Ile183Val). In summary, the available evidence is currently insufficient to determine the role of this variant in disease. Therefore, it has been classified as a Variant of Uncertain Significance. Algorithms developed to predict the effect of missense changes on protein structure and function (SIFT, PolyPhen-2, Align-GVGD) all suggest that this variant is likely to be tolerated. This variant has not been reported in the literature in individuals affected with NARS2-related conditions. This variant is present in population databases (rs779653592, gnomAD 0.006%).

NM_024678.6(NARS2):c.547A>G (p.Ile183Val)

Gene: NARS2 (asparaginyl-tRNA synthetase 2, mitochondrial; minus strand). Cytogenetic location: 11q14.1.
Variant type: single nucleotide variant.
Coding change: c.547A>G on transcript NM_024678.6 (MANE Select); coding-DNA position 547, A replaced by G.
Protein change: p.Ile183Val; replaces isoleucine 183 with valine.
Molecular consequence: missense variant. On other transcripts: 5 prime UTR variant (1).
Genome position (GRCh38, 1-based): chr11:78,559,586, T>C on the plus strand (A>G on the coding strand, the complement: NARS2 is on the minus strand). VCF-style: chr11-78559586-T-C. GRCh37 (hg19) VCF-style: chr11-78270632-T-C.
Other names: c.-135A>G (NM_001243251.2); short protein forms I183V.
Identifiers: ClinVar variation 1932114 (VCV001932114.3), dbSNP rs779653592, ClinGen allele CA6205797.